The following is an entry in ClinVar:

ClinVar aggregate classification (germline): Likely pathogenic (1 of 4 stars; one submission).

Submission:

Labcorp Genetics (formerly Invitae), Labcorp
Classification: Likely pathogenic. Last evaluated: 2021-07-07. Review status: criteria provided, single submitter. Criteria: Invitae Variant Classification Sherloc (09022015). Collection method: clinical testing. Allele origin: germline.
Comment: This sequence change replaces glycine with aspartic acid at codon 929 of the COL4A5 protein (p.Gly929Asp). The glycine residue is highly conserved and there is a moderate physicochemical difference between glycine and aspartic acid. This variant is not present in population databases (ExAC no frequency). This variant has not been reported in the literature in individuals affected with COL4A5-related conditions. Algorithms developed to predict the effect of missense changes on protein structure and function are either unavailable or do not agree on the potential impact of this missense change (SIFT: "Deleterious"; PolyPhen-2: "Not Available"; Align-GVGD: "Class C0"). This variant disrupts the triple helix domain of COL4A5. Glycine residues within the Gly-Xaa-Yaa repeats of the triple helix domain are required for the structure and stability of fibrillar collagens (PMID: 7695699, 8218237, 19344236). In COL4A5, missense variants at these glycine residues are significantly enriched in individuals with disease (PMID: 23720012, 27627812) compared to the general population (ExAC). In summary, the currently available evidence indicates that the variant is pathogenic, but additional data are needed to prove that conclusively. Therefore, this variant has been classified as Likely Pathogenic.

Literature cited by the submitters: PubMed 7695699; PubMed 8218237; PubMed 19344236; PubMed 23720012; PubMed 27627812.

NM_033380.3(COL4A5):c.2786G>A (p.Gly929Asp)

Gene: COL4A5 (collagen type IV alpha 5 chain; plus strand). Cytogenetic location: Xq22.3.
Variant type: single nucleotide variant.
Coding change: c.2786G>A on transcript NM_033380.3 (MANE Select); coding-DNA position 2786, G replaced by A.
Protein change: p.Gly929Asp; replaces glycine 929 with aspartic acid.
Molecular consequence: missense variant.
Genome position (GRCh38, 1-based): chrX:108,622,694, G>A. VCF-style: chrX-108622694-G-A. GRCh37 (hg19) VCF-style: chrX-107865924-G-A.
Other names: c.2786G>A, p.Gly929Asp (NM_000495.5); short protein forms G929D.
Identifiers: ClinVar variation 1514624 (VCV001514624.8), dbSNP rs2147865584, ClinGen allele CA413852577.